The following is an entry in ClinVar:

NM_020706.2(SCAF4):c.137TAG[1] (p.Val47del)

Gene: SCAF4 (SR-related CTD associated factor 4; minus strand). Cytogenetic location: 21q22.11.
Variant type: Microsatellite.
Coding change: c.137TAG[1] on transcript NM_020706.2 (MANE Select); one copy of the 3-base unit TAG starting at c.137; the reference has two copies in a row; one copy, 3 bases deleted; also written c.140_142del.
Protein change: p.Val47del; deletes valine 47.
Molecular consequence: inframe deletion. On other transcripts: intron variant (1).
Genome position (GRCh38, 1-based): chr21:31,705,440-31,705,442, CTA deleted on the plus strand (TAG on the coding strand, the reverse complement: SCAF4 is on the minus strand); deleting any 3 consecutive bases within chr21:31,705,440-31,705,445 gives the same sequence; the position shown is the placement nearest the transcript's 3' end. VCF-style (leftmost placement, unchanged base first): chr21-31705439-TCTA-T. GRCh37 (hg19) VCF-style: chr21-33077752-TCTA-T.
Other names: c.140_142del (NM_020706.2); c.137TAG[1], p.Val47del (NM_001145445.1); c.114+832_114+834del (NM_001145444.1); short protein forms V47del.
Identifiers: ClinVar variation 4879672 (VCV004879672.1).

ClinVar aggregate classification (germline): Uncertain significance (1 of 4 stars; one submission).

Conditions:
Fliedner-Zweier syndrome (FZS). Identifiers: MedGen C5882693, MONDO:0957787, OMIM 620511.

Submission:

Victorian Clinical Genetics Services, Murdoch Childrens Research Institute
Classification: Uncertain significance for Fliedner-Zweier syndrome. Last evaluated: 2026-02-20. Review status: criteria provided, single submitter. Criteria: ACMG Guidelines, 2015. Collection method: clinical testing. Allele origin: germline. Affected: yes.
Comment: This variant is classified as VUS-3A. Evidence in support of pathogenic classification: In-frame deletion in a non-repetitive region that has high conservation; Variant is present in gnomAD <0.001 for a dominant condition (v4: 1 heterozygote(s), 0 homozygote(s)); Additional information: This variant is heterozygous; This gene is associated with autosomal dominant disease; This variant has no previous evidence of pathogenicity; No published evidence of segregation with disease has been identified for this variant; No published functional evidence has been identified for this variant; No comparable deletion variants have previous evidence for pathogenicity; Variant is located in the annotated CID domain (DECIPHER); Loss of function is a known mechanism of disease in this gene and is associated with Fliedner-Zweier syndrome (MIM#620511); Variants in this gene are known to have variable expressivity (PMID: 32730804).

Literature cited by the submitters: PubMed 32730804.